The following is an entry in ClinVar:

NM_001202.6(BMP4):c.430C>G (p.Leu144Val)

Gene: BMP4 (bone morphogenetic protein 4; minus strand). Cytogenetic location: 14q22.2.
Variant type: single nucleotide variant.
Coding change: c.430C>G on transcript NM_001202.6 (MANE Select); coding-DNA position 430, C replaced by G.
Protein change: p.Leu144Val; replaces leucine 144 with valine.
Molecular consequence: missense variant.
Genome position (GRCh38, 1-based): chr14:53,950,829, G>C on the plus strand (C>G on the coding strand, the complement: BMP4 is on the minus strand). VCF-style: chr14-53950829-G-C. GRCh37 (hg19) VCF-style: chr14-54417547-G-C.
Other names: c.571C>G, p.Leu191Val (NM_001347912.1); c.241C>G, p.Leu81Val (NM_001347913.2, NM_001347915.2, NM_001347917.1); c.430C>G, p.Leu144Val (NM_001347914.2, NM_001347916.1, NM_130850.5 and 1 more transcripts); short protein forms L144V, L191V, L81V.
Identifiers: ClinVar variation 2119344 (VCV002119344.4), dbSNP rs199698258, ClinGen allele CA389784724.

ClinVar aggregate classification (germline): Uncertain significance (1 of 4 stars; one submission).

Conditions:
Microphthalmia with brain and digit anomalies (MCOPS6). Also called: MICROPHTHALMIA AND PITUITARY ANOMALIES; Microphthalmia, syndromic 6. Identifiers: Orphanet 139471, MedGen C1864689, MONDO:0011936, OMIM 607932.
Orofacial cleft 11 (OFC11). Also called: Orofacial cleft 11; ofc11; CLEFT LIP WITH OR WITHOUT CLEFT PALATE, NONSYNDROMIC, 11. Identifiers: MedGen C2677434, MONDO:0010906, OMIM 600625.

Submission:

Labcorp Genetics (formerly Invitae), Labcorp
Classification: Uncertain significance for Microphthalmia with brain and digit anomalies; Orofacial cleft 11. Last evaluated: 2024-02-24. Review status: criteria provided, single submitter. Criteria: Invitae Variant Classification Sherloc (09022015). Collection method: clinical testing. Allele origin: germline.
Comment: This sequence change replaces leucine, which is neutral and non-polar, with valine, which is neutral and non-polar, at codon 144 of the BMP4 protein (p.Leu144Val). This variant is not present in population databases (gnomAD no frequency). This variant has not been reported in the literature in individuals affected with BMP4-related conditions. ClinVar contains an entry for this variant (Variation ID: 2119344). Advanced modeling of protein sequence and biophysical properties (such as structural, functional, and spatial information, amino acid conservation, physicochemical variation, residue mobility, and thermodynamic stability) performed at Invitae indicates that this missense variant is not expected to disrupt BMP4 protein function with a negative predictive value of 80%. In summary, the available evidence is currently insufficient to determine the role of this variant in disease. Therefore, it has been classified as a Variant of Uncertain Significance.